The following is an entry in ClinVar:

ClinVar aggregate classification (germline): Pathogenic/Likely pathogenic. Review status: criteria provided, multiple submitters, no conflicts (2 of 4 stars). 3 submissions from 3 submitters: Pathogenic (2); Likely pathogenic (1). Last evaluated 2024-07-01.

Conditions:
Glycogen storage disease type III (GSD3). Also called: FORBES DISEASE; Cori disease. Identifiers: Orphanet 366, MedGen C0017922, MONDO:0009291, OMIM 232400.

Submissions (3):

Myriad Genetics, Inc.
Classification: Pathogenic for Glycogen storage disease type III. Last evaluated: 2024-07-01. Review status: criteria provided, single submitter. Criteria: Myriad Autosomal Dominant, Autosomal Recessive and X-Linked Classification Criteria (2023). Collection method: clinical testing. Allele origin: unknown.
Comment: NM_000642.2(AGL):c.3662delA(N1221Mfs*6) is expected to be pathogenic in the context of glycogen storage disease type III. This variant is predicted to lead to an abnormal or absent protein product due to the creation of a premature termination codon in AGL, a gene where loss-of-function variants are known to be pathogenic. Please note: this variant was assessed in the context of healthy population screening.

Baylor Genetics
Classification: Likely pathogenic for Glycogen storage disease type III. Last evaluated: 2023-10-16. Review status: criteria provided, single submitter. Criteria: ACMG Guidelines, 2015. Collection method: clinical testing. Allele origin: unknown.

Labcorp Genetics (formerly Invitae), Labcorp
Classification: Pathogenic for Glycogen storage disease type III. Last evaluated: 2023-03-26. Review status: criteria provided, single submitter. Criteria: Invitae Variant Classification Sherloc (09022015). Collection method: clinical testing. Allele origin: germline.
Comment: For these reasons, this variant has been classified as Pathogenic. This premature translational stop signal has been observed in individual(s) with glycogen storage disease (PMID: 27106217). This variant is not present in population databases (gnomAD no frequency). This sequence change creates a premature translational stop signal (p.Asn1221Metfs*6) in the AGL gene. It is expected to result in an absent or disrupted protein product. Loss-of-function variants in AGL are known to be pathogenic (PMID: 19299494).

Literature cited by the submitters: PubMed 27106217 (cited by Labcorp Genetics (formerly Invitae), Labcorp); PubMed 19299494 (cited by Labcorp Genetics (formerly Invitae), Labcorp).

NM_000642.3(AGL):c.3662del (p.Asn1221fs)

Gene: AGL (amylo-alpha-1,6-glucosidase and 4-alpha-glucanotransferase; plus strand). Cytogenetic location: 1p21.2.
Variant type: Deletion.
Coding change: c.3662del on transcript NM_000642.3 (MANE Select); coding-DNA position 3662, one base deleted (A; older notation c.3662delA).
Protein change: p.Asn1221fs; shifts the reading frame from asparagine 1221.
Molecular consequence: frameshift variant.
Genome position (GRCh38, 1-based): chr1:99,902,756, A deleted; the last of 2 consecutive A bases (chr1:99,902,755-99,902,756); deleting either gives the same sequence. VCF-style (leftmost placement, unchanged base first): chr1-99902754-GA-G. GRCh37 (hg19) VCF-style: chr1-100368310-GA-G.
Other names: c.3662del (NM_000642.2); c.3662delA, p.Asn1221Metfs (NM_000028.3, NM_000643.3, NM_000644.3 and 1 more transcripts); c.3614delA, p.Asn1205Metfs (NM_000646.3); c.3641delA, p.Asn1214Metfs (NM_001425326.1); c.3461delA, p.Asn1154Metfs (NM_001425327.1); c.3458delA, p.Asn1153Metfs (NM_001425328.1); c.3323delA, p.Asn1108Metfs (NM_001425329.1); c.3284delA, p.Asn1095Metfs (NM_001425332.1); short protein forms N1205fs, N1221fs.
Identifiers: ClinVar variation 2680860 (VCV002680860.5), dbSNP rs2523735493, ClinGen allele CA2574444736.
Genomic context (GRCh38, chr1:99,902,754, plus strand): 5'-GTTTGAAGTCATACAGGAAGCAATGCAAAAACACATGCAGGGCATACAGTTCCGAGAAAG[GA>G]ATGCTGGTCCCCAGATAGATCGAAACATGAAGGACGAAGGTACAGAACTTTAACTAAAAT-3'